The following is an entry in ClinVar:

NM_005529.7(HSPG2):c.9552G>A (p.Val3184=)

Gene: HSPG2 (heparan sulfate proteoglycan 2; minus strand). Cytogenetic location: 1p36.12.
Variant type: single nucleotide variant.
Coding change: c.9552G>A on transcript NM_005529.7 (MANE Select); coding-DNA position 9552, G replaced by A.
Protein change: p.Val3184=; no amino-acid change (valine 3184 retained).
Molecular consequence: synonymous variant.
Genome position (GRCh38, 1-based): chr1:21,839,979, C>T on the plus strand (G>A on the coding strand, the complement: HSPG2 is on the minus strand). VCF-style: chr1-21839979-C-T. GRCh37 (hg19) VCF-style: chr1-22166472-C-T.
Other names: c.9555G>A, p.Val3185= (NM_001291860.2).
Identifiers: ClinVar variation 5041723 (VCV005041723.1).

ClinVar aggregate classification (germline): Likely benign (1 of 4 stars; one submission).

Submission:

CeGaT Center for Human Genetics Tuebingen
Classification: Likely benign. Last evaluated: 2026-09-01. Review status: criteria provided, single submitter. Criteria: CeGaT Center For Human Genetics Tuebingen Variant Classification Criteria Version 2. Collection method: clinical testing. Allele origin: germline. Affected: yes. Observed: 1 variant allele.
Comment: HSPG2: PM2:Supporting, BP4, BP7